The following is an entry in ClinVar:

ClinVar aggregate classification (germline): Conflicting classifications of pathogenicity. Review status: criteria provided, conflicting classifications (1 of 4 stars). 7 submissions from 7 submitters: Uncertain significance (3); Likely benign (4). Last evaluated 2026-08-11.

Conditions:
MITF-related disorder. Also called: MITF-related condition.
Waardenburg syndrome type 2A (WS2A). Also called: WAARDENBURG SYNDROME WITHOUT DYSTOPIA CANTHORUM. Identifiers: Orphanet 3440, MedGen C1860339, MONDO:0008671, OMIM 193510.
Melanoma, cutaneous malignant, susceptibility to, 8. Also called: MELANOMA AND RENAL CELL CARCINOMA, SUSCEPTIBILITY TO; Cutaneous malignant melanoma 8. Identifiers: Orphanet 293822, MedGen C3152204, MONDO:0013759, OMIM 614456.
Coloboma, osteopetrosis, microphthalmia, macrocephaly, albinism, and deafness (COMMAD). Also called: COMMAD syndrome. Identifiers: Orphanet 603494, MedGen C4310625, MONDO:0015014, OMIM 617306.
Tietz syndrome (TADS). Also called: HYPOPIGMENTATION/DEAFNESS OF TIETZ; ALBINISM-DEAFNESS OF TIETZ; TIETZ ALBINISM-DEAFNESS SYNDROME. Identifiers: Orphanet 42665, MedGen C0391816, MONDO:0007077, OMIM 103500.

Allele frequency attached by ClinVar (database versions not stated): gnomAD exomes 0.00004 and 0.00010; gnomAD 0.00005 and 0.00006; ExAC 0.00009; TOPMed 0.00009; ESP Exome Variant Server 0.00015; 1000 Genomes Project 0.00040; 1000 Genomes Project 30x 0.00047.
gnomAD v4.1: 64 of 1,614,030 alleles (0.004%); highest among the groups gnomAD compares: Admixed American, 0.005%; no homozygotes.

Submissions (7):

PreventionGenetics, part of Exact Sciences
Classification: Likely benign for MITF-related condition. Last evaluated: 2026-08-11. Review status: criteria provided, single submitter. Criteria: ACMG Guidelines, 2015. Collection method: clinical testing. Allele origin: germline.
Comment: This variant is classified as likely benign based on ACMG/AMP sequence variant interpretation guidelines (Richards et al. 2015 PMID: 25741868, with internal and published modifications).

Labcorp Genetics (formerly Invitae), Labcorp
Classification: Likely benign for Melanoma, cutaneous malignant, susceptibility to, 8; Waardenburg syndrome type 2A; Tietz syndrome. Last evaluated: 2026-01-27. Review status: criteria provided, single submitter. Criteria: Invitae Variant Classification Sherloc (09022015). Collection method: clinical testing. Allele origin: germline.

Dasa
Classification: Uncertain significance. Last evaluated: 2025-09-07. Review status: criteria provided, single submitter. Criteria: DASA Assertion Criteria. Collection method: clinical testing. Allele origin: germline.
Comment: NM_001354604.2(MITF):c.1384G>A (p.Gly462Arg) is a missense variant that results in the substitution of glycine with arginine. This variant is rare in population databases. Computational prediction algorithms are consistent with a benign effect. The currently available literature and clinical evidence are not sufficient to establish a definitive association between this variant and the reported condition. Therefore, this variant is classified as a variant of uncertain significance.

Fulgent Genetics
Classification: Likely benign for Tietz syndrome; Waardenburg syndrome type 2A; Melanoma, cutaneous malignant, susceptibility to, 8; Coloboma, osteopetrosis, microphthalmia, macrocephaly, albinism, and deafness. Last evaluated: 2024-05-10. Review status: criteria provided, single submitter. Criteria: ACMG Guidelines, 2015. Collection method: clinical testing. Allele origin: germline.

St. Jude Molecular Pathology, St. Jude Children's Research Hospital
Classification: Uncertain significance for Melanoma, cutaneous malignant, susceptibility to, 8. Last evaluated: 2022-08-02. Review status: criteria provided, single submitter. Criteria: St. Jude Assertion Criteria 2020. Collection method: clinical testing. Allele origin: germline.
Comment: The MITF c.1366G>A (p.Gly456Arg) missense change has a maximum non-founder subpopulation frequency of 0.011% in gnomAD v2.1.1. The in silico tool REVEL predicts a benign effect on protein function, but to our knowledge this prediction has not been confirmed by functional studies. To our knowledge, this variant has not been reported in individuals with melanoma and/or renal cell carcinoma. In summary, the evidence currently available is insufficient to determine the clinical significance of this variant. It has therefore been classified as of uncertain significance.

GeneDx
Classification: Likely benign. Last evaluated: 2021-06-03. Review status: criteria provided, single submitter. Criteria: GeneDx Variant Classification Process June 2021. Collection method: clinical testing. Allele origin: germline. Affected: yes.
Comment: This variant is associated with the following publications: (PMID: 21822268)

Victorian Clinical Genetics Services, Murdoch Childrens Research Institute
Classification: Uncertain significance for Waardenburg syndrome type 2A. Last evaluated: 2021-05-06. Review status: criteria provided, single submitter. Criteria: ACMG Guidelines, 2015. Collection method: clinical testing. Allele origin: germline.
Comment: Based on the classification scheme VCGS_Germline_v1.3.4, this variant is classified as VUS-3C. Following criteria are met: 0102 - Loss of function is a known mechanism of disease in this gene and is associated with COMMAD syndrome (MIM#617306), Tietz albinism-deafness syndrome (MIM#103500), Waardenburg syndrome type 2A (MIM#193510), Waardenburg syndrome/ocular albinism, digenic (MIM#103470). Dominant negative has also been reported as a likely disease causing mechanism (PMID: 27889061). (I) 0108 - This gene is associated with both recessive and dominant disease (OMIM). (I) 0112 - The condition associated with this gene has incomplete penetrance (PMID: 27759048, Gene Review). (I) 0115 - Variants in this gene are known to have variable expressivity. (PMID: 27759048). (I) 0200 - Variant is predicted to result in a missense amino acid change from glycine to arginine. (I) 0251 - This variant is heterozygous. (I) 0304 - Variant is present in gnomAD (v2) <0.01 for a recessive condition (24 heterozygotes, 0 homozygotes). (SP) 0503 - Missense variant consistently predicted to be tolerated by multiple in silico tools or not conserved in placental mammals with a minor amino acid change. (SB) 0600 - Variant is located in the annotated DUF3371 (NCBI). (I) 0705 - No comparable missense variants have previous evidence for pathogenicity. (I) 0807 - This variant has no previous evidence of pathogenicity. (I) 0905 - No published segregation evidence has been identified for this variant. (I) 1007 - No published functional evidence has been identified for this variant. (I) 1208 - Inheritance information for this variant is not currently available in this individual. (I) Legend: (SP) - Supporting pathogenic, (I) - Information, (SB) - Supporting benign

Literature cited by the submitters: PubMed 27759048 (cited by Victorian Clinical Genetics Services, Murdoch Childrens Research Institute); PubMed 27889061 (cited by Victorian Clinical Genetics Services, Murdoch Childrens Research Institute).

NM_001354604.2(MITF):c.1384G>A (p.Gly462Arg)

Gene: MITF (melanocyte inducing transcription factor; plus strand). Cytogenetic location: 3p13.
Variant type: single nucleotide variant.
Coding change: c.1384G>A on transcript NM_001354604.2 (MANE Select); coding-DNA position 1384, G replaced by A.
Protein change: p.Gly462Arg; replaces glycine 462 with arginine.
Molecular consequence: missense variant.
Genome position (GRCh38, 1-based): chr3:69,965,051, G>A. VCF-style: chr3-69965051-G-A. GRCh37 (hg19) VCF-style: chr3-70014202-G-A.
Other names: c.1063G>A, p.Gly355Arg (NM_000248.4); c.1210G>A, p.Gly404Arg (NM_001184967.2, NM_001354608.2); c.1384G>A (NM_001354604.1); c.1381G>A, p.Gly461Arg (NM_001354605.2); c.1363G>A, p.Gly455Arg (NM_001354606.2, NM_006722.3); c.1315G>A, p.Gly439Arg (NM_001354607.2); c.1045G>A, p.Gly349Arg (NM_198158.3); c.1366G>A, p.Gly456Arg (NM_198159.3); and 2 more; short protein forms G293R, G349R, G355R, G404R, G439R, G440R, G455R, G456R.
Identifiers: ClinVar variation 1186984 (VCV001186984.13), dbSNP rs143537610, ClinGen allele CA2490654.
Genomic context (GRCh38, chr3:69,965,051, plus strand): 5'-CTAACCTGTACAACAACTCTCGATCTCACGGATGGCACCATCACCTTCAACAACAACCTC[G>A]GAACTGGGACTGAGGCCAACCAAGCCTATAGTGTCCCCACAAAAATGGGATCCAAACTGG-3'
Protein context (NP_001341533.1, residues 452-472): DGTITFNNNL[Gly462Arg]TGTEANQAYS